The following is an entry in ClinVar:

NM_004621.6(TRPC6):c.991G>A (p.Gly331Arg)

Gene: TRPC6 (transient receptor potential cation channel subfamily C member 6; minus strand). Cytogenetic location: 11q22.1.
Variant type: single nucleotide variant.
Coding change: c.991G>A on transcript NM_004621.6 (MANE Select); coding-DNA position 991, G replaced by A.
Protein change: p.Gly331Arg; replaces glycine 331 with arginine.
Molecular consequence: missense variant.
Genome position (GRCh38, 1-based): chr11:101,491,693, C>T on the plus strand (G>A on the coding strand, the complement: TRPC6 is on the minus strand). VCF-style: chr11-101491693-C-T. GRCh37 (hg19) VCF-style: chr11-101362424-C-T.
Other names: short protein forms G331R.
Identifiers: ClinVar variation 2681753 (VCV002681753.2), dbSNP rs2496173855.
Genomic context (GRCh38, chr11:101,491,693, plus strand): 5'-CAACATCCCCATTCAGAATGGCCTCGACTTCTTCAGTGTTTCTGCACAGATCAAGGAGTC[C>T]AACAACAAAGTCTTTGCACTGCATTGACAGTTTTTTGTAGTCATTCTAGGAAAAACAAAG-3'
Protein context (NP_004612.2, residues 321-341): LSMQCKDFVV[Gly331Arg]LLDLCRNTEE

ClinVar aggregate classification (germline): Likely pathogenic (1 of 4 stars; one submission).

Conditions:
Focal segmental glomerulosclerosis 2 (FSGS2). Identifiers: Orphanet 656, MedGen C1858915, MONDO:0011390, OMIM 603965.

Submission:

Precision Medicine Center, Zhengzhou University
Classification: Likely pathogenic for Focal segmental glomerulosclerosis 2. Last evaluated: 2023-12-01. Review status: criteria provided, single submitter. Criteria: ACMG Guidelines, 2015. Collection method: clinical testing. Allele origin: de novo.
Comment: PS2,PM2_p,PP3